The following is an entry in ClinVar:

ClinVar aggregate classification (germline): Uncertain significance (1 of 4 stars; one submission).

Submission:

GeneDx
Classification: Uncertain significance. Last evaluated: 2025-04-07. Review status: criteria provided, single submitter. Criteria: GeneDx Variant Classification Process June 2021. Collection method: clinical testing. Allele origin: germline. Affected: yes.
Comment: In silico analysis indicates that this missense variant does not alter protein structure/function; Has not been previously published as pathogenic or benign to our knowledge

NM_001136035.4(TRMT1):c.584G>A (p.Arg195Gln)

Gene: TRMT1 (tRNA methyltransferase 1; minus strand). Cytogenetic location: 19p13.13.
Variant type: single nucleotide variant.
Coding change: c.584G>A on transcript NM_001136035.4 (MANE Select); coding-DNA position 584, G replaced by A.
Protein change: p.Arg195Gln; replaces arginine 195 with glutamine.
Molecular consequence: missense variant. On other transcripts: 5 prime UTR variant (1).
Genome position (GRCh38, 1-based): chr19:13,115,336, C>T on the plus strand (G>A on the coding strand, the complement: TRMT1 is on the minus strand). VCF-style: chr19-13115336-C-T. GRCh37 (hg19) VCF-style: chr19-13226150-C-T.
Other names: c.584G>A, p.Arg195Gln (NM_001142554.3, NM_001351760.2, NM_017722.5); c.476G>A, p.Arg159Gln (NM_001351761.2); c.-187G>A (NM_001351762.2); short protein forms R159Q, R195Q.
Identifiers: ClinVar variation 4282360 (VCV004282360.1).
Genomic context (GRCh38, chr19:13,115,336, plus strand): 5'-TACCGGGCATCTGCTTGGCTCGGCTGTACCAGGTGGGCCACGTCATTGAGCTGGACATTC[C>T]GGCGTATGAGATCCACAGCCCGGGTGGAGGCATCGTTTGCAACCACAGATCTGAGCCCAG-3'
Protein context (NP_001129507.1, residues 185-205): ASTRAVDLIR[Arg195Gln]NVQLNDVAHL